The following is an entry in ClinVar:

NM_000143.4(FH):c.683TCA[1] (p.Ile229del)

Gene: FH (fumarate hydratase; minus strand). Cytogenetic location: 1q43.
Variant type: Microsatellite.
Coding change: c.683TCA[1] on transcript NM_000143.4 (MANE Select); one copy of the 3-base unit TCA starting at c.683; the reference has two copies in a row; one copy, 3 bases deleted.
Protein change: p.Ile229del; deletes isoleucine 229.
Molecular consequence: inframe deletion. On other transcripts: inframe indel (2).
Genome position (GRCh38, 1-based): chr1:241,508,653-241,508,655, TGA deleted on the plus strand (TCA on the coding strand, the reverse complement: FH is on the minus strand); deleting any 3 consecutive bases within chr1:241,508,653-241,508,659 gives the same sequence; the position shown is the placement nearest the transcript's 3' end. VCF-style (leftmost placement, unchanged base first): chr1-241508652-TTGA-T. GRCh37 (hg19) VCF-style: chr1-241671952-TTGA-T.
Other names: c.686_688delTCA (NM_000143.3); c.682_684ATC[1], p.Ile229del (NM_000143.3); short protein forms I229del.
Identifiers: ClinVar variation 1755842 (VCV001755842.2), dbSNP rs2527327168, ClinGen allele CA2580611245.

ClinVar aggregate classification (germline): Pathogenic (1 of 4 stars; one submission).

Conditions:
Hereditary cancer-predisposing syndrome. Also called: Neoplastic Syndromes, Hereditary; Tumor predisposition; Hereditary Cancer Syndrome; Hereditary neoplastic syndrome. Identifiers: Orphanet 140162, MedGen C0027672, MeSH D009386, MONDO:0015356.

Submission:

Ambry Genetics
Classification: Pathogenic for Hereditary cancer-predisposing syndrome. Last evaluated: 2019-05-30. Review status: criteria provided, single submitter. Criteria: Ambry Variant Classification Scheme 2023. Collection method: clinical testing. Allele origin: germline.
Comment: The c.686_688delTCA variant (also known as p.I229del) is located in coding exon 5 of the FH gene. This variant results from an in-frame TCA deletion at nucleotide positions 686 to 688. This results in the in-frame deletion of an isoleucine at codon 229. This alteration has been observed in multiple individuals who has a personal or family history that is consistent with FH-associated disease (Ambry internal data; Alam NA et al. Hum. Mol. Genet., 2003 Jun;12:1241-52). Based on internal structural analysis, this variant is more disruptive than known pathogenic variants (Ajalla Aleixo MA et al. FEBS J., 2019 May;286:1925-1940).This amino acid position is highly conserved in available vertebrate species. Based on the majority of available evidence to-date, this alteration is interpreted as a disease-causing mutation.

Literature cited by the submitters: PubMed 12761039; PubMed 30761759; PubMed 31831373.